The following is an entry in ClinVar:

NM_002615.7(SERPINF1):c.355C>T (p.His119Tyr)

Gene: SERPINF1 (serpin family F member 1; plus strand). Cytogenetic location: 17p13.3.
Variant type: single nucleotide variant.
Coding change: c.355C>T on transcript NM_002615.7 (MANE Select); coding-DNA position 355, C replaced by T.
Protein change: p.His119Tyr; replaces histidine 119 with tyrosine.
Molecular consequence: missense variant. On other transcripts: 5 prime UTR variant (1).
Genome position (GRCh38, 1-based): chr17:1,771,100, C>T. VCF-style: chr17-1771100-C-T. GRCh37 (hg19) VCF-style: chr17-1674394-C-T.
Other names: c.355C>T, p.His119Tyr (NM_001329903.2); c.-207C>T (NM_001329904.2); short protein forms H119Y.
Identifiers: ClinVar variation 2114122 (VCV002114122.4), dbSNP rs2543479930, ClinGen allele CA397584575.

ClinVar aggregate classification (germline): Uncertain significance (1 of 4 stars; one submission).

Submission:

Labcorp Genetics (formerly Invitae), Labcorp
Classification: Uncertain significance. Last evaluated: 2022-03-19. Review status: criteria provided, single submitter. Criteria: Invitae Variant Classification Sherloc (09022015). Collection method: clinical testing. Allele origin: germline.
Comment: This variant has not been reported in the literature in individuals affected with SERPINF1-related conditions. In summary, the available evidence is currently insufficient to determine the role of this variant in disease. Therefore, it has been classified as a Variant of Uncertain Significance. Algorithms developed to predict the effect of missense changes on protein structure and function are either unavailable or do not agree on the potential impact of this missense change (SIFT: "Not Available"; PolyPhen-2: "Probably Damaging"; Align-GVGD: "Not Available"). This variant is not present in population databases (gnomAD no frequency). This sequence change replaces histidine, which is basic and polar, with tyrosine, which is neutral and polar, at codon 119 of the SERPINF1 protein (p.His119Tyr).